The following is an entry in ClinVar:

ClinVar aggregate classification (germline): Uncertain significance (1 of 4 stars; one submission).

Submission:

Labcorp Genetics (formerly Invitae), Labcorp
Classification: Uncertain significance. Last evaluated: 2022-10-13. Review status: criteria provided, single submitter. Criteria: Invitae Variant Classification Sherloc (09022015). Collection method: clinical testing. Allele origin: unknown.
Comment: Isolated whole-gene deletion of HAND2 have not been reported in the literature. However, larger copy number events that include this gene have been reported (PMID: 32134193). A gross deletion of the genomic region encompassing the full coding sequence of the HAND2 gene has been identified. The current clinical and genetic evidence is not sufficient to establish whether loss-of-function variants in HAND2 cause disease. The boundaries of this event are unknown as they extend beyond the assayed region for this gene and therefore may encompass additional genes. In summary, the available evidence is currently insufficient to determine the role of this variant in disease. Therefore, it has been classified as a Variant of Uncertain Significance.

Literature cited by the submitters: PubMed 32134193.

NC_000004.11:g.(?_171788098)_(175916898_?)del

Genes: ADAM29 (ADAM metallopeptidase domain 29; plus strand), CEP44 (centrosomal protein 44; plus strand), FBXO8 (F-box protein 8; minus strand), GALNT7 (polypeptide N-acetylgalactosaminyltransferase 7; plus strand), GALNTL6 (polypeptide N-acetylgalactosaminyltransferase like 6; plus strand) and 6 more. Cytogenetic location: 4q33-34.1.
Variant type: Deletion.
Identifiers: ClinVar variation 3246756 (VCV003246756.1).